The following is an entry in ClinVar:

ClinVar aggregate classification (germline): Uncertain significance (1 of 4 stars; one submission).

Submission:

GeneDx
Classification: Uncertain significance. Last evaluated: 2023-06-18. Review status: criteria provided, single submitter. Criteria: GeneDx Variant Classification Process June 2021. Collection method: clinical testing. Allele origin: germline. Affected: yes.
Comment: Not observed at significant frequency in large population cohorts (gnomAD); In silico analysis supports that this missense variant does not alter protein structure/function; Has not been previously published as pathogenic or benign to our knowledge

NM_016333.4(SRRM2):c.2926G>T (p.Asp976Tyr)

Gene: SRRM2 (serine/arginine repetitive matrix 2; plus strand). Cytogenetic location: 16p13.3.
Variant type: single nucleotide variant.
Coding change: c.2926G>T on transcript NM_016333.4 (MANE Select); coding-DNA position 2926, G replaced by T.
Protein change: p.Asp976Tyr; replaces aspartic acid 976 with tyrosine.
Molecular consequence: missense variant.
Genome position (GRCh38, 1-based): chr16:2,763,454, G>T. VCF-style: chr16-2763454-G-T. GRCh37 (hg19) VCF-style: chr16-2813455-G-T.
Other names: short protein forms D976Y.
Identifiers: ClinVar variation 3252955 (VCV003252955.1), dbSNP rs2068434258.